The following is an entry in ClinVar:

ClinVar aggregate classification (germline): Conflicting classifications of pathogenicity. Review status: criteria provided, conflicting classifications (1 of 4 stars). 3 submissions from 3 submitters: Uncertain significance (1); Likely benign (1). 1 of the submissions does not count toward it. Last evaluated 2023-08-07.

Conditions:
Cardiovascular phenotype. Identifiers: MedGen CN230736.
TNXB-related disorder. Also called: TNXB-related condition.

Allele frequency attached by ClinVar (database versions not stated): ExAC 0.00005; gnomAD 0.00017; TOPMed 0.00018.
gnomAD v4.1: 71 of 1,611,356 alleles (0.0044%); highest among the groups gnomAD compares: African/African-American, 0.057%; no homozygotes.

Submissions (3):

GeneDx
Classification: Uncertain significance. Last evaluated: 2023-08-07. Review status: criteria provided, single submitter. Criteria: GeneDx Variant Classification Process June 2021. Collection method: clinical testing. Allele origin: germline.
Comment: Has not been previously published as pathogenic or benign to our knowledge; In silico analysis supports that this missense variant does not alter protein structure/function

Ambry Genetics
Classification: Likely benign for Cardiovascular phenotype. Last evaluated: 2022-05-06. Review status: criteria provided, single submitter. Criteria: Ambry Variant Classification Scheme 2023. Collection method: clinical testing. Allele origin: germline.

PreventionGenetics, part of Exact Sciences
Classification: Uncertain significance for TNXB-related condition. Last evaluated: 2024-07-05. Review status: no assertion criteria provided. Collection method: clinical testing. Allele origin: germline. Not counted in ClinVar's aggregate classification.
Comment: The TNXB c.5870A>G variant is predicted to result in the amino acid substitution p.His1957Arg. To our knowledge, this variant has not been reported in the literature. This variant is reported in 0.052% of alleles in individuals of African descent in gnomAD. At this time, the clinical significance of this variant is uncertain due to the absence of conclusive functional and genetic evidence.

NM_001365276.2(TNXB):c.5870A>G (p.His1957Arg)

Gene: TNXB (tenascin XB; minus strand). Cytogenetic location: 6p21.33.
Variant type: single nucleotide variant.
Coding change: c.5870A>G on transcript NM_001365276.2 (MANE Select); coding-DNA position 5870, A replaced by G.
Protein change: p.His1957Arg; replaces histidine 1957 with arginine.
Molecular consequence: missense variant.
Genome position (GRCh38, 1-based): chr6:32,068,854, T>C on the plus strand (A>G on the coding strand, the complement: TNXB is on the minus strand). VCF-style: chr6-32068854-T-C. GRCh37 (hg19) VCF-style: chr6-32036631-T-C.
Other names: c.5870A>G, p.His1957Arg (NM_019105.8); short protein forms H1957R.
Identifiers: ClinVar variation 1750197 (VCV001750197.5), dbSNP rs760731362, ClinGen allele CA3734593.
Genomic context (GRCh38, chr6:32,068,854, plus strand): 5'-AAGGAGGCATAGTGGGCAGAGTTCTCACCTGTCAGGGCCTCGACATGGACAGGACCTACA[T>C]GCTTCCCATCACTGAAACCATACAGGGTCACCAGGTATCTGTGGTCGGATTCCAGGCCAG-3'
Protein context (NP_001352205.1, residues 1947-1967): VTLYGFSDGK[His1957Arg]VGPVHVEALT